The following is an entry in ClinVar:

ClinVar aggregate classification (germline): Likely pathogenic (1 of 4 stars; one submission).

gnomAD v4.1: 3 of 1,550,494 alleles (0.00019%); highest among the groups gnomAD compares: Non-Finnish European, 0.00026%; no homozygotes.

Submission:

Dasa
Classification: Likely pathogenic. Last evaluated: 2026-04-15. Review status: criteria provided, single submitter. Criteria: DASA Assertion Criteria. Collection method: clinical testing. Allele origin: germline.
Comment: NM_001145026.2(PTPRQ):c.4349G>A (p.Trp1450*) is a nonsense variant in PTPRQ predicted to introduce a premature termination codon and is predicted to result in an absent or altered protein product. Loss of function is an established disease mechanism for PTPRQ-associated disorders. Also, this variant is rare in population databases. Based on the currently available evidence, this variant is classified as likely pathogenic.

NM_001145026.2(PTPRQ):c.4349G>A (p.Trp1450Ter)

Gene: PTPRQ (protein tyrosine phosphatase receptor type Q; plus strand). Cytogenetic location: 12q21.31.
Variant type: single nucleotide variant.
Coding change: c.4349G>A on transcript NM_001145026.2 (MANE Select); coding-DNA position 4349, G replaced by A.
Protein change: p.Trp1450Ter; replaces tryptophan 1450 with a stop codon.
Molecular consequence: nonsense.
Genome position (GRCh38, 1-based): chr12:80,588,192, G>A. VCF-style: chr12-80588192-G-A. GRCh37 (hg19) VCF-style: chr12-80981971-G-A.
Other names: short protein forms W1450*.
Identifiers: ClinVar variation 4883317 (VCV004883317.2).